The following is an entry in ClinVar:

NM_020937.4(FANCM):c.3371C>T (p.Pro1124Leu)

Gene: FANCM (FA complementation group M; plus strand). Cytogenetic location: 14q21.2.
Variant type: single nucleotide variant.
Coding change: c.3371C>T on transcript NM_020937.4 (MANE Select); coding-DNA position 3371, C replaced by T.
Protein change: p.Pro1124Leu; replaces proline 1124 with leucine.
Molecular consequence: missense variant.
Genome position (GRCh38, 1-based): chr14:45,176,125, C>T. VCF-style: chr14-45176125-C-T. GRCh37 (hg19) VCF-style: chr14-45645328-C-T.
Other names: c.3293C>T, p.Pro1098Leu (NM_001308133.2); short protein forms P1098L, P1124L.
Identifiers: ClinVar variation 970655 (VCV000970655.16), dbSNP rs148605513, ClinGen allele CA259628259.

ClinVar aggregate classification (germline): Uncertain significance. Review status: criteria provided, multiple submitters, no conflicts (2 of 4 stars). 5 submissions from 5 submitters: Uncertain significance (5). Last evaluated 2024-12-22.

Conditions:
Inborn genetic diseases. Identifiers: MedGen C0950123, MeSH D030342.
Hereditary cancer-predisposing syndrome. Also called: Neoplastic Syndromes, Hereditary; Hereditary Cancer Syndrome; Tumor predisposition; Hereditary neoplastic syndrome. Identifiers: Orphanet 140162, MedGen C0027672, MeSH D009386, MONDO:0015356.
Spermatogenic failure 28. Identifiers: MedGen C4748117, MONDO:0054732, OMIM 618086.
Premature ovarian failure 15. Identifiers: MedGen C4748170, MONDO:0054862, OMIM 618096.
Fanconi anemia (FA). Also called: Fanconi's anemia. Identifiers: Orphanet 84, MedGen C0015625, MeSH D005199, MONDO:0019391.

Allele frequency attached by ClinVar (database versions not stated): gnomAD exomes below 0.00001; gnomAD 0.00006 and 0.00007; TOPMed 0.00006; ESP Exome Variant Server 0.00008.
gnomAD v4.1: 16 of 1,613,742 alleles (0.00099%); highest among the groups gnomAD compares: African/African-American, 0.017%; no homozygotes.

Submissions (5):

Ambry Genetics
Classification: Uncertain significance for Inborn genetic diseases. Last evaluated: 2024-12-22. Review status: criteria provided, single submitter. Criteria: Ambry Variant Classification Scheme 2023. Collection method: clinical testing. Allele origin: germline.
Comment: The p.P1124L variant (also known as c.3371C>T), located in coding exon 14 of the FANCM gene, results from a C to T substitution at nucleotide position 3371. The proline at codon 1124 is replaced by leucine, an amino acid with similar properties. This amino acid position is conserved. In addition, this alteration is predicted to be tolerated by in silico analysis. Based on the available evidence, the clinical significance of this variant remains unclear.

GeneDx
Classification: Uncertain significance. Last evaluated: 2024-08-06. Review status: criteria provided, single submitter. Criteria: GeneDx Variant Classification Process June 2021. Collection method: clinical testing. Allele origin: germline. Affected: yes.
Comment: Not observed at significant frequency in large population cohorts (gnomAD); In silico analysis supports that this missense variant has a deleterious effect on protein structure/function; Has not been previously published as pathogenic or benign to our knowledge

Labcorp Genetics (formerly Invitae), Labcorp
Classification: Uncertain significance for Fanconi anemia. Last evaluated: 2023-03-09. Review status: criteria provided, single submitter. Criteria: Invitae Variant Classification Sherloc (09022015). Collection method: clinical testing. Allele origin: germline.
Comment: ClinVar contains an entry for this variant (Variation ID: 970655). This variant has not been reported in the literature in individuals affected with FANCM-related conditions. This variant is not present in population databases (gnomAD no frequency). This sequence change replaces proline, which is neutral and non-polar, with leucine, which is neutral and non-polar, at codon 1124 of the FANCM protein (p.Pro1124Leu). In summary, the available evidence is currently insufficient to determine the role of this variant in disease. Therefore, it has been classified as a Variant of Uncertain Significance. An algorithm developed to predict the effect of missense changes on protein structure and function (PolyPhen-2) suggests that this variant is likely to be tolerated.

Fulgent Genetics
Classification: Uncertain significance for Spermatogenic failure 28; Premature ovarian failure 15. Last evaluated: 2022-03-11. Review status: criteria provided, single submitter. Criteria: ACMG Guidelines, 2015. Collection method: clinical testing. Allele origin: unknown.

Sema4
Classification: Uncertain significance for Hereditary cancer-predisposing syndrome. Last evaluated: 2021-12-13. Review status: criteria provided, single submitter. Criteria: Sema4 Curation Guidelines. Collection method: curation. Allele origin: germline.
Comment: The FANCM c.3371C>T (p.P1124L) variant has not been reported in the literature to our knowledge. It was not observed in the Genome Aggregation Database. This variant has been reported in ClinVar (Variation ID 970655). In silico tools suggest the impact of the variant on protein function is benign, though these predictions have not been confirmed by functional studies. The evidence is insufficient to meet ACMG/AMP criteria for classifying the variant as benign or pathogenic. Thus, the clinical significance of this variant is currently uncertain.